The following is an entry in ClinVar:

ClinVar aggregate classification (germline): Benign/Likely benign. Review status: criteria provided, multiple submitters, no conflicts (2 of 4 stars). 4 submissions from 4 submitters: Benign (1); Likely benign (3). Last evaluated 2024-06-14.

Conditions:
Hereditary cancer-predisposing syndrome. Also called: Neoplastic Syndromes, Hereditary; Hereditary Cancer Syndrome; Tumor predisposition; Hereditary neoplastic syndrome. Identifiers: Orphanet 140162, MedGen C0027672, MeSH D009386, MONDO:0015356.
Ataxia-telangiectasia syndrome (AT). Also called: LOUIS-BAR SYNDROME; Cerebello-oculocutaneous telangiectasia; Immunodeficiency with ataxia telangiectasia; Ataxia-telangiectasia, complementation group D; AT, COMPLEMENTATION GROUP C; Ataxia-telangiectasia, complementation group E. Identifiers: Orphanet 100, MedGen C0004135, MONDO:0008840, OMIM 208900.
Familial cancer of breast. Also called: Hereditary breast cancer; BREAST CANCER, FAMILIAL; hereditary breast carcinoma. Identifiers: Orphanet 227535, MedGen C0346153, MONDO:0016419, OMIM 114480. Disease mechanism: loss of function.

Submissions (4):

Myriad Genetics, Inc.
Classification: Benign for Familial cancer of breast. Last evaluated: 2024-06-14. Review status: criteria provided, single submitter. Criteria: Myriad Autosomal Dominant, Autosomal Recessive and X-Linked Classification Criteria (2023). Collection method: clinical testing. Allele origin: unknown.
Comment: This variant is considered benign. This variant is a silent/synonymous amino acid change and it is not expected to impact splicing.

Labcorp Genetics (formerly Invitae), Labcorp
Classification: Likely benign for Ataxia-telangiectasia syndrome. Last evaluated: 2024-03-06. Review status: criteria provided, single submitter. Criteria: Invitae Variant Classification Sherloc (09022015). Collection method: clinical testing. Allele origin: germline.

Color Diagnostics, LLC DBA Color Health
Classification: Likely benign for Hereditary cancer-predisposing syndrome. Last evaluated: 2021-05-03. Review status: criteria provided, single submitter. Criteria: ACMG Guidelines, 2015. Collection method: clinical testing. Allele origin: germline.

Ambry Genetics
Classification: Likely benign for Hereditary cancer-predisposing syndrome. Last evaluated: 2017-02-01. Review status: criteria provided, single submitter. Criteria: Ambry Variant Classification Scheme 2023. Collection method: clinical testing. Allele origin: germline.

NM_000051.4(ATM):c.7443T>C (p.Asp2481=)

Genes: ATM (ATM serine/threonine kinase; plus strand), C11orf65 (chromosome 11 open reading frame 65; minus strand). Cytogenetic location: 11q22.3.
Variant type: single nucleotide variant.
Coding change: c.7443T>C on transcript NM_000051.4 (MANE Select); coding-DNA position 7443, T replaced by C.
Protein change: p.Asp2481=; no amino-acid change (aspartic acid 2481 retained).
Molecular consequence: synonymous variant. On other transcripts: intron variant (2).
Genome position (GRCh38, 1-based): chr11:108,330,349, T>C. VCF-style: chr11-108330349-T-C. GRCh37 (hg19) VCF-style: chr11-108201076-T-C.
Other names: c.7443T>C, p.Asp2481= (NM_001351834.2); c.641-21278A>G (NM_001330368.2); c.*38+4871A>G (NM_001351110.2).
Identifiers: ClinVar variation 479076 (VCV000479076.19), dbSNP rs1555123181, ClinGen allele CA476676942.